The following is an entry in ClinVar:

NM_031407.7(HUWE1):c.648_650del (p.Thr217del)

Gene: HUWE1 (HECT, UBA and WWE domain containing E3 ubiquitin protein ligase 1; minus strand). Cytogenetic location: Xp11.22.
Variant type: Deletion.
Coding change: c.648_650del on transcript NM_031407.7 (MANE Select); coding-DNA positions 648 to 650, 3 bases deleted (AAC; older notation c.648_650delAAC).
Protein change: p.Thr217del; deletes threonine 217.
Molecular consequence: inframe deletion.
Genome position (GRCh38, 1-based): chrX:53,631,610-53,631,612, GTT deleted on the plus strand (AAC on the coding strand, the reverse complement: HUWE1 is on the minus strand); deleting any 3 consecutive bases within chrX:53,631,610-53,631,614 gives the same sequence; the c. name uses the placement nearest the transcript's 3' end. VCF-style (leftmost placement, unchanged base first): chrX-53631609-AGTT-A. GRCh37 (hg19) VCF-style: chrX-53658561-AGTT-A.
Other names: NC_000023.10:g.53658564_53658566del; short protein forms T217del.
Identifiers: ClinVar variation 1931777 (VCV001931777.6), dbSNP rs782647260, ClinGen allele CA10423058.

ClinVar aggregate classification (germline): Uncertain significance (1 of 4 stars; one submission).

Submissions (2):

Labcorp Genetics (formerly Invitae), Labcorp
Classification: Uncertain significance. Last evaluated: 2023-01-24. Review status: criteria provided, single submitter. Criteria: Invitae Variant Classification Sherloc (09022015). Collection method: clinical testing. Allele origin: germline.
Comment: This variant has not been reported in the literature in individuals affected with HUWE1-related conditions. In summary, the available evidence is currently insufficient to determine the role of this variant in disease. Therefore, it has been classified as a Variant of Uncertain Significance. Experimental studies and prediction algorithms are not available or were not evaluated, and the functional significance of this variant is currently unknown. This variant is present in population databases (rs782647260, gnomAD 0.003%), including at least one homozygous and/or hemizygous individual. This variant, c.648_650del, results in the deletion of 1 amino acid(s) of the HUWE1 protein (p.Thr217del), but otherwise preserves the integrity of the reading frame.

Dr. Peter K. Rogan Lab, Western University
No classification provided (evidence only). Condition: Melanoma. Review status: no classification provided. Collection method: in vitro. Allele origin: not applicable. Functional consequence: retained intron. Not counted in ClinVar's aggregate classification.